The following is an entry in ClinVar:

ClinVar aggregate classification (germline): Uncertain significance. Review status: criteria provided, multiple submitters, no conflicts (2 of 4 stars). 2 submissions from 2 submitters: Uncertain significance (2). Last evaluated 2024-08-31.

Conditions:
Neuropathy, hereditary sensory and autonomic, type 2A (HSAN2A). Also called: NEUROPATHY, HEREDITARY SENSORY, TYPE IIA; NEUROPATHY, PROGRESSIVE SENSORY, OF CHILDREN; ACROOSTEOLYSIS, GIACCAI TYPE; ACROOSTEOLYSIS, NEUROGENIC; HSAN IIA; MORVAN DISEASE. Identifiers: Orphanet 970, MedGen C2752089, MONDO:0024309, OMIM 201300.
Generalized epilepsy with febrile seizures plus, type 7 (GEFSP7). Also called: GEFS+, TYPE 7. Identifiers: Orphanet 36387, MedGen C2751778, MONDO:0013470, OMIM 613863.
Inborn genetic diseases. Identifiers: MedGen C0950123, MeSH D030342.

Submissions (2):

Labcorp Genetics (formerly Invitae), Labcorp
Classification: Uncertain significance for Neuropathy, hereditary sensory and autonomic, type 2A; Generalized epilepsy with febrile seizures plus, type 7. Last evaluated: 2024-08-31. Review status: criteria provided, single submitter. Criteria: Invitae Variant Classification Sherloc (09022015). Collection method: clinical testing. Allele origin: germline.
Comment: This sequence change replaces alanine, which is neutral and non-polar, with serine, which is neutral and polar, at codon 374 of the SCN9A protein (p.Ala374Ser). This variant is not present in population databases (gnomAD no frequency). This variant has not been reported in the literature in individuals affected with SCN9A-related conditions. Invitae Evidence Modeling of protein sequence and biophysical properties (such as structural, functional, and spatial information, amino acid conservation, physicochemical variation, residue mobility, and thermodynamic stability) indicates that this missense variant is not expected to disrupt SCN9A protein function with a negative predictive value of 95%. In summary, the available evidence is currently insufficient to determine the role of this variant in disease. Therefore, it has been classified as a Variant of Uncertain Significance.

Ambry Genetics
Classification: Uncertain significance for Inborn genetic diseases. Last evaluated: 2023-10-05. Review status: criteria provided, single submitter. Criteria: Ambry Variant Classification Scheme 2023. Collection method: clinical testing. Allele origin: germline.

NM_001365536.1(SCN9A):c.1120G>T (p.Ala374Ser)

Genes: SCN1A-AS1 (SCN1A and SCN9A antisense RNA 1; plus strand), SCN9A (sodium voltage-gated channel alpha subunit 9; minus strand). Cytogenetic location: 2q24.3.
Variant type: single nucleotide variant.
Coding change: c.1120G>T on transcript NM_001365536.1 (MANE Select); coding-DNA position 1120, G replaced by T.
Protein change: p.Ala374Ser; replaces alanine 374 with serine.
Molecular consequence: missense variant.
Genome position (GRCh38, 1-based): chr2:166,288,631, C>A on the plus strand (G>T on the coding strand, the complement: SCN9A is on the minus strand). VCF-style: chr2-166288631-C-A. GRCh37 (hg19) VCF-style: chr2-167145141-C-A.
Other names: c.1120G>T, p.Ala374Ser (NM_002977.4); short protein forms A374S.
Identifiers: ClinVar variation 3158575 (VCV003158575.3), dbSNP rs778475749, ClinGen allele CA1944581.